The following is an entry in ClinVar:

ClinVar aggregate classification (germline): Uncertain significance. Review status: criteria provided, multiple submitters, no conflicts (2 of 4 stars). 3 submissions from 3 submitters: Uncertain significance (3). Last evaluated 2025-04-03.

Conditions:
Inborn genetic diseases. Identifiers: MedGen C0950123, MeSH D030342.

Allele frequency attached by ClinVar (database versions not stated): ExAC 0.00002; TOPMed 0.00009; gnomAD exomes 0.00002; gnomAD 0.00003.

Submissions (3):

Ambry Genetics
Classification: Uncertain significance for Inborn genetic diseases. Last evaluated: 2025-04-03. Review status: criteria provided, single submitter. Criteria: Ambry Variant Classification Scheme 2023. Collection method: clinical testing. Allele origin: germline.

Labcorp Genetics (formerly Invitae), Labcorp
Classification: Uncertain significance. Last evaluated: 2024-01-04. Review status: criteria provided, single submitter. Criteria: Invitae Variant Classification Sherloc (09022015). Collection method: clinical testing. Allele origin: germline.
Comment: This sequence change replaces arginine, which is basic and polar, with cysteine, which is neutral and slightly polar, at codon 360 of the SMARCD2 protein (p.Arg360Cys). This variant is present in population databases (rs748342764, gnomAD 0.02%). This variant has not been reported in the literature in individuals affected with SMARCD2-related conditions. ClinVar contains an entry for this variant (Variation ID: 2061304). Advanced modeling of protein sequence and biophysical properties (such as structural, functional, and spatial information, amino acid conservation, physicochemical variation, residue mobility, and thermodynamic stability) has been performed at Invitae for this missense variant, however the output from this modeling did not meet the statistical confidence thresholds required to predict the impact of this variant on SMARCD2 protein function. In summary, the available evidence is currently insufficient to determine the role of this variant in disease. Therefore, it has been classified as a Variant of Uncertain Significance.

Mayo Clinic Laboratories, Mayo Clinic
Classification: Uncertain significance. Last evaluated: 2023-11-21. Review status: criteria provided, single submitter. Criteria: ACMG Guidelines, 2015. Collection method: clinical testing. Allele origin: germline. Observed: 1 variant allele.

NM_001098426.2(SMARCD2):c.1078C>T (p.Arg360Cys)

Gene: SMARCD2 (SWI/SNF related BAF chromatin remodeling complex subunit D2; minus strand). Cytogenetic location: 17q23.3.
Variant type: single nucleotide variant.
Coding change: c.1078C>T on transcript NM_001098426.2 (MANE Select); coding-DNA position 1078, C replaced by T.
Protein change: p.Arg360Cys; replaces arginine 360 with cysteine.
Molecular consequence: missense variant.
Genome position (GRCh38, 1-based): chr17:63,834,172, G>A on the plus strand (C>T on the coding strand, the complement: SMARCD2 is on the minus strand). VCF-style: chr17-63834172-G-A. GRCh37 (hg19) VCF-style: chr17-61911532-G-A.
Other names: p.Arg360Cys; c.853C>T, p.Arg285Cys (NM_001330439.1); c.934C>T, p.Arg312Cys (NM_001330440.2); c.1078C>T (NM_001098426.1); short protein forms R285C, R360C, R312C.
Identifiers: ClinVar variation 2061304 (VCV002061304.7), dbSNP rs748342764, ClinGen allele CA8706326.